The following is an entry in ClinVar:

ClinVar aggregate classification (germline): Uncertain significance (1 of 4 stars; one submission).

Conditions:
Leigh syndrome (NULS). Also called: Leigh's necrotizing encephalopathy; Leigh's disease; Leigh's syndrome; LEIGH SYNDROME, NUCLEAR; Leigh Syndrome (mtDNA deletion); Leigh Disease. Identifiers: Orphanet 506, MedGen C2931891, MONDO:0009723, OMIM 256000.

Submission:

Wong Mito Lab, Molecular and Human Genetics, Baylor College of Medicine
Classification: Uncertain significance for Leigh syndrome. Last evaluated: 2019-10-17. Review status: criteria provided, single submitter. Criteria: Modified ACMG Guidelines (Unpublished). Collection method: clinical testing. Allele origin: germline.
Comment: The NC_012920.1:m.15462T>C (YP_003024038.1:p.Leu239Ser) variant in MTCYB gene is interpretated to be a Uncertain Significance variant based on the modified ACMG guidelines (unpublished). This variant meets the following evidence codes: PP4

NC_012920.1(MT-CYB):m.15462T>C

Gene: MT-CYB (mitochondrially encoded cytochrome b; plus strand).
Variant type: single nucleotide variant.
Genome position: chrM-15462-T-C.
Identifiers: ClinVar variation 693887 (VCV000693887.1), dbSNP rs1603225298, ClinGen allele CA913173935.
Genomic context (GRCh38, chrMT:15,462, plus strand): 5'-CCTTCCACCCTTACTACACAATCAAAGACGCCCTCGGCTTACTTCTCTTCCTTCTCTCCT[T>C]AATGACATTAACACTATTCTCACCAGACCTCCTAGGCGACCCAGACAATTATACCCTAGC-3'